The following is an entry in ClinVar:

ClinVar aggregate classification (germline): Uncertain significance. Review status: criteria provided, multiple submitters, no conflicts (2 of 4 stars). 2 submissions from 2 submitters: Uncertain significance (2). Last evaluated 2025-10-27.

Conditions:
Cardiovascular phenotype. Identifiers: MedGen CN230736.

gnomAD v4.1: 1 of 1,611,098 alleles (0.000062%); highest among the groups gnomAD compares: Non-Finnish European, 0.000085%; no homozygotes.

Submissions (2):

Labcorp Genetics (formerly Invitae), Labcorp
Classification: Uncertain significance. Last evaluated: 2025-10-27. Review status: criteria provided, single submitter. Criteria: Invitae Variant Classification Sherloc (09022015). Collection method: clinical testing. Allele origin: germline.
Comment: This sequence change replaces glutamic acid, which is acidic and polar, with lysine, which is basic and polar, at codon 215 of the APOA1 protein (p.Glu215Lys). This variant is not present in population databases (gnomAD no frequency). This variant has not been reported in the literature in individuals affected with APOA1-related conditions. ClinVar contains an entry for this variant (Variation ID: 1753541). Invitae Evidence Modeling of protein sequence and biophysical properties (such as structural, functional, and spatial information, amino acid conservation, physicochemical variation, residue mobility, and thermodynamic stability) has been performed for this missense variant. However, the output from this modeling did not meet the statistical confidence thresholds required to predict the impact of this variant on APOA1 protein function. In summary, the available evidence is currently insufficient to determine the role of this variant in disease. Therefore, it has been classified as a Variant of Uncertain Significance.

Ambry Genetics
Classification: Uncertain significance for Cardiovascular phenotype. Last evaluated: 2022-05-09. Review status: criteria provided, single submitter. Criteria: Ambry Variant Classification Scheme 2023. Collection method: clinical testing. Allele origin: germline.
Comment: The p.E215K variant (also known as c.643G>A), located in coding exon 3 of the APOA1 gene, results from a G to A substitution at nucleotide position 643. The glutamic acid at codon 215 is replaced by lysine, an amino acid with similar properties. This amino acid position is conserved. In addition, this alteration is predicted to be tolerated by in silico analysis. Since supporting evidence is limited at this time, the clinical significance of this alteration remains unclear.

NM_000039.3(APOA1):c.643G>A (p.Glu215Lys)

Gene: APOA1 (apolipoprotein A1; minus strand). Cytogenetic location: 11q23.3.
Variant type: single nucleotide variant.
Coding change: c.643G>A on transcript NM_000039.3 (MANE Select); coding-DNA position 643, G replaced by A.
Protein change: p.Glu215Lys; replaces glutamic acid 215 with lysine.
Molecular consequence: missense variant.
Genome position (GRCh38, 1-based): chr11:116,835,969, C>T on the plus strand (G>A on the coding strand, the complement: APOA1 is on the minus strand). VCF-style: chr11-116835969-C-T. GRCh37 (hg19) VCF-style: chr11-116706685-C-T.
Other names: c.643G>A, p.Glu215Lys (NM_001318017.2, NM_001318018.2); c.316G>A, p.Glu106Lys (NM_001318021.2); short protein forms E106K, E215K.
Identifiers: ClinVar variation 1753541 (VCV001753541.7), dbSNP rs1056422827, ClinGen allele CA382714776.